The following is an entry in ClinVar:

NM_018192.4(P3H2):c.631A>G (p.Met211Val)

Gene: P3H2 (prolyl 3-hydroxylase 2; minus strand). Cytogenetic location: 3q28.
Variant type: single nucleotide variant.
Coding change: c.631A>G on transcript NM_018192.4 (MANE Select); coding-DNA position 631, A replaced by G.
Protein change: p.Met211Val; replaces methionine 211 with valine.
Molecular consequence: missense variant.
Genome position (GRCh38, 1-based): chr3:189,995,292, T>C on the plus strand (A>G on the coding strand, the complement: P3H2 is on the minus strand). VCF-style: chr3-189995292-T-C. GRCh37 (hg19) VCF-style: chr3-189713081-T-C.
Other names: c.88A>G, p.Met30Val (NM_001134418.2); short protein forms M30V, M211V.
Identifiers: ClinVar variation 1362589 (VCV001362589.6), dbSNP rs760904409, ClinGen allele CA2753293.
Genomic context (GRCh38, chr3:189,995,292, plus strand): 5'-GATGAAACTTAGGAGCACTTAGCTCCCTGTGGTGAGGGCAGGGGCCCACAGAGCTTACCA[T>C]GTGTGGCTTGGCTTCTCTGTCTACCAACTGCAATGCTTCAACACCAGCTGTCGCCCTGTA-3'
Protein context (NP_060662.2, residues 201-221): QLVDREAKPH[Met211Val]ESYNAGVKHY

ClinVar aggregate classification (germline): Uncertain significance (1 of 4 stars; one submission).

Allele frequency attached by ClinVar (database versions not stated): gnomAD exomes below 0.00001 and 0.00001; ExAC 0.00001.
gnomAD v4.1: 3 of 1,614,086 alleles (0.00019%); highest among the groups gnomAD compares: Admixed American, 0.0017%; no homozygotes.

Submission:

Labcorp Genetics (formerly Invitae), Labcorp
Classification: Uncertain significance. Last evaluated: 2023-08-04. Review status: criteria provided, single submitter. Criteria: Invitae Variant Classification Sherloc (09022015). Collection method: clinical testing. Allele origin: germline.
Comment: This sequence change replaces methionine, which is neutral and non-polar, with valine, which is neutral and non-polar, at codon 211 of the P3H2 protein (p.Met211Val). This variant is present in population databases (rs760904409, gnomAD 0.003%). This variant has not been reported in the literature in individuals affected with P3H2-related conditions. ClinVar contains an entry for this variant (Variation ID: 1362589). An algorithm developed to predict the effect of missense changes on protein structure and function (PolyPhen-2) suggests that this variant is likely to be tolerated. In summary, the available evidence is currently insufficient to determine the role of this variant in disease. Therefore, it has been classified as a Variant of Uncertain Significance.